The following is an entry in ClinVar:

ClinVar aggregate classification (germline): Benign/Likely benign. Review status: criteria provided, multiple submitters, no conflicts (2 of 4 stars). 2 submissions from 2 submitters: Benign (1); Likely benign (1). Last evaluated 2026-06-09.

Conditions:
ADK-related disorder. Also called: ADK-related condition.

Submissions (2):

PreventionGenetics, part of Exact Sciences
Classification: Likely benign for ADK-related condition. Last evaluated: 2026-06-09. Review status: criteria provided, single submitter. Criteria: ACMG Guidelines, 2015. Collection method: clinical testing. Allele origin: germline.
Comment: This variant is classified as likely benign based on ACMG/AMP sequence variant interpretation guidelines (Richards et al. 2015 PMID: 25741868, with internal and published modifications).

Labcorp Genetics (formerly Invitae), Labcorp
Classification: Benign. Last evaluated: 2025-06-10. Review status: criteria provided, single submitter. Criteria: Invitae Variant Classification Sherloc (09022015). Collection method: clinical testing. Allele origin: germline.

NM_006721.4(ADK):c.66-3dup

Gene: ADK (adenosine kinase; plus strand). Cytogenetic location: 10q22.2.
Variant type: Duplication.
Coding change: c.66-3dup on transcript NM_006721.4 (MANE Select); 3 bases into the intron before coding-DNA position 66, one base duplicated (T; older notation c.66-3dupT).
Molecular consequence: intron variant.
Genome position (GRCh38, 1-based): chr10:74,200,761, T duplicated; the last of 7 consecutive T bases (chr10:74,200,755-74,200,761); duplicating any one gives the same sequence. VCF-style (leftmost placement, unchanged base first): chr10-74200754-G-GT. GRCh37 (hg19) VCF-style: chr10-75960512-G-GT.
Other names: c.66-3dup (NM_001369123.1, NM_001202450.2); c.15-3dup (NM_001123.4, NM_001369124.1, NM_001202449.2); c.66-3dupT (NM_006721.3).
Identifiers: ClinVar variation 4802460 (VCV004802460.2).